The following is an entry in ClinVar:

ClinVar aggregate classification (germline): Uncertain significance (1 of 4 stars; one submission).

Conditions:
Autosomal dominant nonsyndromic hearing loss 1. Also called: KONIGSMARK SYNDROME; DEAFNESS, AUTOSOMAL DOMINANT 1, WITH OR WITHOUT THROMBOCYTOPENIA. Identifiers: Orphanet 90635, MedGen C1852282, MONDO:0007424, OMIM 124900.
Progressive microcephaly-seizures-cortical blindness-developmental delay syndrome. Also called: Seizures, cortical blindness, and microcephaly syndrome. Identifiers: Orphanet 477814, MedGen C5567650, MONDO:0014714, OMIM 616632.

Submission:

Labcorp Genetics (formerly Invitae), Labcorp
Classification: Uncertain significance for Progressive microcephaly-seizures-cortical blindness-developmental delay syndrome; Autosomal dominant nonsyndromic hearing loss 1. Last evaluated: 2025-12-16. Review status: criteria provided, single submitter. Criteria: Invitae Variant Classification Sherloc (09022015). Collection method: clinical testing. Allele origin: germline.
Comment: This sequence change replaces arginine, which is basic and polar, with lysine, which is basic and polar, at codon 992 of the DIAPH1 protein (p.Arg992Lys). This variant is not present in population databases (gnomAD no frequency). This variant has not been reported in the literature in individuals affected with DIAPH1-related conditions. An algorithm developed to predict the effect of missense changes on protein structure and function (PolyPhen-2) suggests that this variant is likely to be tolerated. In summary, the available evidence is currently insufficient to determine the role of this variant in disease. Therefore, it has been classified as a Variant of Uncertain Significance.

NM_005219.5(DIAPH1):c.2975G>A (p.Arg992Lys)

Gene: DIAPH1 (diaphanous related formin 1; minus strand). Cytogenetic location: 5q31.3.
Variant type: single nucleotide variant.
Coding change: c.2975G>A on transcript NM_005219.5 (MANE Select); coding-DNA position 2975, G replaced by A.
Protein change: p.Arg992Lys; replaces arginine 992 with lysine.
Molecular consequence: missense variant.
Genome position (GRCh38, 1-based): chr5:141,528,745, C>T on the plus strand (G>A on the coding strand, the complement: DIAPH1 is on the minus strand). VCF-style: chr5-141528745-C-T. GRCh37 (hg19) VCF-style: chr5-140908312-C-T.
Other names: c.2948G>A, p.Arg983Lys (NM_001079812.3); c.2975G>A, p.Arg992Lys (NM_001314007.2); short protein forms R983K, R992K.
Identifiers: ClinVar variation 4783999 (VCV004783999.1).